The following is an entry in ClinVar:

ClinVar aggregate classification (germline): Pathogenic/Likely pathogenic. Review status: criteria provided, multiple submitters, no conflicts (2 of 4 stars). 2 submissions from 2 submitters: Pathogenic (1); Likely pathogenic (1). Last evaluated 2025-05-27.

Conditions:
LAMA2-related muscular dystrophy (LAMA2-RD). Also called: Laminin alpha 2-related dystrophy. Identifiers: MedGen C5679788, MONDO:0100228.

Submissions (2):

Labcorp Genetics (formerly Invitae), Labcorp
Classification: Pathogenic for LAMA2-related muscular dystrophy. Last evaluated: 2025-05-27. Review status: criteria provided, single submitter. Criteria: Invitae Variant Classification Sherloc (09022015). Collection method: clinical testing. Allele origin: germline.
Comment: This sequence change creates a premature translational stop signal (p.Thr461Argfs*9) in the LAMA2 gene. It is expected to result in an absent or disrupted protein product. Loss-of-function variants in LAMA2 are known to be pathogenic (PMID: 18700894, 32904964). This variant is not present in population databases (gnomAD no frequency). This premature translational stop signal has been observed in individual(s) with LAMA2-related conditions (PMID: 18700894). ClinVar contains an entry for this variant (Variation ID: 854669). For these reasons, this variant has been classified as Pathogenic.

Mayo Clinic Laboratories, Mayo Clinic
Classification: Likely pathogenic. Last evaluated: 2024-09-30. Review status: criteria provided, single submitter. Criteria: ACMG Guidelines, 2015. Collection method: clinical testing. Allele origin: germline. Observed: 1 variant allele.
Comment: PM2_supporting, PVS1

Literature cited by the submitters: PubMed 18700894 (cited by Labcorp Genetics (formerly Invitae), Labcorp and Mayo Clinic Laboratories, Mayo Clinic); PubMed 32904964 (cited by Labcorp Genetics (formerly Invitae), Labcorp).

NM_000426.4(LAMA2):c.1382_1383del (p.Thr461fs)

Gene: LAMA2 (laminin subunit alpha 2; plus strand). Cytogenetic location: 6q22.33.
Variant type: Deletion.
Coding change: c.1382_1383del on transcript NM_000426.4 (MANE Select); coding-DNA positions 1382 to 1383, 2 bases deleted (CT; older notation c.1382_1383delCT).
Protein change: p.Thr461fs; shifts the reading frame from threonine 461.
Molecular consequence: frameshift variant.
Genome position (GRCh38, 1-based): chr6:129,177,781-129,177,782, CT deleted. VCF-style (leftmost placement, unchanged base first): chr6-129177780-ACT-A. GRCh37 (hg19) VCF-style: chr6-129498925-ACT-A.
Other names: p.Thr461Argfs*9; c.1382_1383del, p.Thr461fs (NM_001079823.2); short protein forms T461fs.
Identifiers: ClinVar variation 854669 (VCV000854669.11), dbSNP rs1780690164, ClinGen allele CA916081485.
Genomic context (GRCh38, chr6:129,177,780, plus strand): 5'-TCCTGTCATTGCAAAACTGGTTTTGGAGGTGTGAGCTGTGATCGGTGTGCCAGGGGCTAC[ACT>A]GGCTACCCGGACTGCAAAGCCTGTAACTGCAGTGGGTTAGGGAGCAAAAATGAGGATCCT-3'